The following is an entry in ClinVar:

NM_021619.3(PRDM12):c.775C>G (p.Arg259Gly)

Gene: PRDM12 (PR/SET domain 12; plus strand). Cytogenetic location: 9q34.12.
Variant type: single nucleotide variant.
Coding change: c.775C>G on transcript NM_021619.3 (MANE Select); coding-DNA position 775, C replaced by G.
Protein change: p.Arg259Gly; replaces arginine 259 with glycine.
Molecular consequence: missense variant.
Genome position (GRCh38, 1-based): chr9:130,681,340, C>G. VCF-style: chr9-130681340-C-G. GRCh37 (hg19) VCF-style: chr9-133556727-C-G.
Other names: short protein forms R259G.
Identifiers: ClinVar variation 1304516 (VCV001304516.2), dbSNP rs2132608063, ClinGen allele CA375244656.

ClinVar aggregate classification (germline): Uncertain significance (1 of 4 stars; one submission).

Submission:

GeneDx
Classification: Uncertain significance. Last evaluated: 2019-01-21. Review status: criteria provided, single submitter. Criteria: GeneDx Variant Classification Process June 2021. Collection method: clinical testing. Allele origin: germline. Affected: yes.
Comment: Not observed in large population cohorts (Lek et al., 2016); In silico analysis, which includes protein predictors and evolutionary conservation, supports a deleterious effect; Has not been previously published as pathogenic or benign to our knowledge